The following is an entry in ClinVar:

ClinVar aggregate classification (germline): Uncertain significance (1 of 4 stars; one submission).

Conditions:
Cohen syndrome (COH1). Also called: PEPPER SYNDROME; Cutis verticis gyrata, retinitis pigmentosa, and sensorineural deafness. Identifiers: Orphanet 193, MedGen C0265223, MONDO:0008999, OMIM 216550.

Submission:

Labcorp Genetics (formerly Invitae), Labcorp
Classification: Uncertain significance for Cohen syndrome. Last evaluated: 2024-04-25. Review status: criteria provided, single submitter. Criteria: Invitae Variant Classification Sherloc (09022015). Collection method: clinical testing. Allele origin: germline.
Comment: This sequence change replaces leucine, which is neutral and non-polar, with valine, which is neutral and non-polar, at codon 1508 of the VPS13B protein (p.Leu1508Val). This variant is not present in population databases (gnomAD no frequency). This variant has not been reported in the literature in individuals affected with VPS13B-related conditions. Advanced modeling of protein sequence and biophysical properties (such as structural, functional, and spatial information, amino acid conservation, physicochemical variation, residue mobility, and thermodynamic stability) performed at Invitae indicates that this missense variant is not expected to disrupt VPS13B protein function with a negative predictive value of 80%. Algorithms developed to predict the effect of sequence changes on RNA splicing suggest that this variant may create or strengthen a splice site. In summary, the available evidence is currently insufficient to determine the role of this variant in disease. Therefore, it has been classified as a Variant of Uncertain Significance.

NM_152564.5(VPS13B):c.4447C>G (p.Leu1483Val)

Gene: VPS13B (vacuolar protein sorting 13 homolog B; plus strand). Cytogenetic location: 8q22.2.
Variant type: single nucleotide variant.
Coding change: c.4447C>G on transcript NM_152564.5 (MANE Select); coding-DNA position 4447, C replaced by G.
Protein change: p.Leu1483Val; replaces leucine 1483 with valine.
Molecular consequence: missense variant.
Genome position (GRCh38, 1-based): chr8:99,511,326, C>G. VCF-style: chr8-99511326-C-G. GRCh37 (hg19) VCF-style: chr8-100523554-C-G.
Other names: c.4522C>G, p.Leu1508Val (NM_017890.5); short protein forms L1508V, L1483V.
Identifiers: ClinVar variation 3647094 (VCV003647094.2).